The following is an entry in ClinVar:

NM_020524.4(PBXIP1):c.576C>T (p.Gly192=)

Gene: PBXIP1 (PBX homeobox interacting protein 1; minus strand). Cytogenetic location: 1q21.3.
Variant type: single nucleotide variant.
Coding change: c.576C>T on transcript NM_020524.4 (MANE Select); coding-DNA position 576, C replaced by T.
Protein change: p.Gly192=; no amino-acid change (glycine 192 retained).
Molecular consequence: synonymous variant.
Genome position (GRCh38, 1-based): chr1:154,948,200, G>A on the plus strand (C>T on the coding strand, the complement: PBXIP1 is on the minus strand). VCF-style: chr1-154948200-G-A. GRCh37 (hg19) VCF-style: chr1-154920676-G-A.
Other names: c.489C>T, p.Gly163= (NM_001317734.2); c.111C>T, p.Gly37= (NM_001317735.2).
Identifiers: ClinVar variation 2639384 (VCV002639384.24), dbSNP rs2525195238, ClinGen allele CA420979616.
Genomic context (GRCh38, chr1:154,948,200, plus strand): 5'-GAGGAGGACCCCCAGGCCAAGCAGAACCAGGGCCCCAAGGAGGCACATGTTGAGGGAGAT[G>A]CCCAGCTCCCCGCCTGCACCCTCACCCCCAGCCTGGTTCTCCACAGCCAGGGGCACCATG-3'
Protein context (NP_065385.2, residues 182-202): AGGEGAGGEL[Gly192=]ISLNMCLLGA

ClinVar aggregate classification (germline): Likely benign (1 of 4 stars; one submission).

Submission:

CeGaT Center for Human Genetics Tuebingen
Classification: Likely benign. Last evaluated: 2022-05-01. Review status: criteria provided, single submitter. Criteria: CeGaT Center For Human Genetics Tuebingen Variant Classification Criteria Version 2. Collection method: clinical testing. Allele origin: germline. Affected: yes. Observed: 1 variant allele.
Comment: PBXIP1: PM2:Supporting, BP4, BP7